The following is an entry in ClinVar:

NM_001042492.3(NF1):c.889-5T>G

Gene: NF1 (neurofibromin 1; plus strand). Cytogenetic location: 17q11.2.
Variant type: single nucleotide variant.
Coding change: c.889-5T>G on transcript NM_001042492.3 (MANE Select); 5 bases into the intron before coding-DNA position 889, T replaced by G.
Molecular consequence: intron variant.
Genome position (GRCh38, 1-based): chr17:31,200,417, T>G. VCF-style: chr17-31200417-T-G. GRCh37 (hg19) VCF-style: chr17-29527435-T-G.
Other names: c.889-5T>G (NM_000267.4, NM_001128147.3).
Identifiers: ClinVar variation 3237991 (VCV003237991.1), dbSNP rs2143871811.

ClinVar aggregate classification (germline): Uncertain significance (1 of 4 stars; one submission).

Conditions:
Hereditary cancer-predisposing syndrome. Also called: Neoplastic Syndromes, Hereditary; Tumor predisposition; Hereditary neoplastic syndrome; Hereditary Cancer Syndrome. Identifiers: Orphanet 140162, MedGen C0027672, MeSH D009386, MONDO:0015356.
Cardiovascular phenotype. Identifiers: MedGen CN230736.

Submission:

Ambry Genetics
Classification: Uncertain significance for Cardiovascular phenotype; Hereditary cancer-predisposing syndrome. Last evaluated: 2023-12-14. Review status: criteria provided, single submitter. Criteria: Ambry Variant Classification Scheme 2023. Collection method: clinical testing. Allele origin: germline.
Comment: The c.889-5T>G intronic variant results from a T to G substitution 5 nucleotides upstream from coding exon 9 in the NF1 gene. This nucleotide position is highly conserved in available vertebrate species. In silico splice site analysis predicts that this alteration will weaken the native splice acceptor site. Since supporting evidence is limited at this time, the clinical significance of this alteration remains unclear.